The following is an entry in ClinVar:

ClinVar aggregate classification (germline): Pathogenic. Review status: criteria provided, multiple submitters, no conflicts (2 of 4 stars). 7 submissions from 7 submitters: Pathogenic (7). Last evaluated 2026-09-08.

Conditions:
Fabry disease. Also called: Fabry's disease; Angiokeratoma corporis diffusum; ALPHA-GALACTOSIDASE A DEFICIENCY; ANDERSON-FABRY DISEASE; CERAMIDE TRIHEXOSIDASE DEFICIENCY; Ceramide trihexosidosis. Identifiers: Orphanet 324, MedGen C0002986, MONDO:0010526, OMIM 301500, HP:0001071. Disease mechanism: loss of function, Fabry disease is due to inactivating mutations in the X-linked GLA gene resulting in deficiency of the enzyme Alpha Galactosidase-A..

Submissions (7):

Genomenon, Inc
Classification: Pathogenic for Fabry disease. Last evaluated: 2026-09-08. Review status: criteria provided, single submitter. Criteria: Genomenon Sequence Variant Interpretation Standards - Updated. Collection method: curation. Allele origin: germline. Affected: yes.
Comment: GLA p.Ser345ArgfsTer29 (c.1033_1034del) is a frameshift variant that is predicted to introduce a premature termination codon and result in a truncated or absent protein product. This variant has been observed in at least one proband with clinical features consistent with Fabry disease (PMID:12175777;11322659;12938095;25965380;35910704;36140787;32843101;8931708;17057070). The variant was found to segregate with disease in at least one affected family (PMID:35910704;32843101;8931708;17057070). A de novo occurrence of this variant has been observed in at least one affected individual (PMID:32843101). Functional or patient cell studies have been reported (PMID:27896103;24236025;35910704;36140787;32843101;8931708). It is absent or not present at a significant frequency in gnomAD. In conclusion, we classify GLA p.Ser345ArgfsTer29 (c.1033_1034del) as a pathogenic variant.

Labcorp Genetics (formerly Invitae), Labcorp
Classification: Pathogenic for Fabry disease. Last evaluated: 2025-12-06. Review status: criteria provided, single submitter. Criteria: Invitae Variant Classification Sherloc (09022015). Collection method: clinical testing. Allele origin: germline.
Comment: This sequence change creates a premature translational stop signal (p.Ser345Argfs*29) in the GLA gene. While this is not anticipated to result in nonsense mediated decay, it is expected to disrupt the last 85 amino acid(s) of the GLA protein. This variant is not present in population databases (gnomAD no frequency). This premature translational stop signal has been observed in individual(s) with clinical features of Fabry disease (PMID: 8931708, 23935525). This variant is also known as L344-X28-Stop and c.1029-1030delTC. ClinVar contains an entry for this variant (Variation ID: 92538). This variant disrupts a region of the GLA protein in which other variant(s) (p.Val376Profs*10) have been determined to be pathogenic (internal data). This suggests that this is a clinically significant region of the protein, and that variants that disrupt it are likely to be disease-causing. For these reasons, this variant has been classified as Pathogenic.

Revvity Omics, Revvity
Classification: Pathogenic. Last evaluated: 2025-04-07. Review status: criteria provided, single submitter. Criteria: ACMG Guidelines, 2015. Collection method: clinical testing. Allele origin: germline.

GeneDx
Classification: Pathogenic. Last evaluated: 2025-03-04. Review status: criteria provided, single submitter. Criteria: GeneDx Variant Classification Process June 2021. Collection method: clinical testing. Allele origin: germline. Affected: yes.
Comment: Frameshift variant predicted to result in abnormal protein length as the last 85 amino acid(s) are replaced with 28 different amino acid(s), and other similar variants have been reported in HGMD; Not observed at significant frequency in large population cohorts (gnomAD); This variant is associated with the following publications: (PMID: 32843101, 16595074, 12938095, 34679477, 11322659, 35722479, 27896103, 8931708, 17713670, 23935525, 24236025, 35910704, 26712400)

Genome-Nilou Lab
Classification: Pathogenic for Fabry disease. Last evaluated: 2021-07-15. Review status: criteria provided, single submitter. Criteria: ACMG Guidelines, 2015. Collection method: clinical testing. Allele origin: germline. Affected: no.

Eurofins Ntd Llc (ga)
Classification: Pathogenic. Last evaluated: 2018-04-20. Review status: criteria provided, single submitter. Criteria: EGL ClinVar v180209 classification definitions. Collection method: clinical testing. Allele origin: germline. Observed: 5 variant alleles, 3 heterozygotes, 2 hemizygotes.

Women's Health and Genetics/Laboratory Corporation of America, LabCorp
Classification: Pathogenic for Fabry disease. Last evaluated: 2016-06-03. Review status: criteria provided, single submitter. Criteria: LabCorp Variant Classification Summary - May 2015. Collection method: clinical testing. Allele origin: germline.
Comment: Variant summary: The GLA c.1033_1034delTC (p.Ser345Argfs) variant results in a premature termination codon, predicted to cause a truncated or absent GLA protein due to nonsense mediated decay, which are commonly known mechanisms for disease. One in silico tool predicts a damaging outcome for this variant. This variant is absent in 87610 control chromosomes while it was reported in several Fabry patients indicating pathogenicity. GLA activity, GLA protein levels were severely decreased in affected carriers with Lyso-Gb3 being elevated further supporting pathogenicity. Additionally, a clinical diagnostic laboratory classified this variant as Pathogenic. Taken together, this variant is classified as Pathogenic.

Literature cited by the submitters: PubMed 12175777 (cited by Genomenon, Inc); PubMed 11322659 (cited by Genomenon, Inc and Women's Health and Genetics/Laboratory Corporation of America, LabCorp); PubMed 12938095 (cited by Genomenon, Inc and Women's Health and Genetics/Laboratory Corporation of America, LabCorp); PubMed 25965380 (cited by Genomenon, Inc); PubMed 35910704 (cited by Genomenon, Inc); PubMed 36140787 (cited by Genomenon, Inc); PubMed 32843101 (cited by Genomenon, Inc); PubMed 8931708 (cited by 3 submitters); PubMed 17057070 (cited by Genomenon, Inc); PubMed 27896103 (cited by Genomenon, Inc); PubMed 24236025 (cited by Genomenon, Inc and Women's Health and Genetics/Laboratory Corporation of America, LabCorp); PubMed 23935525 (cited by Labcorp Genetics (formerly Invitae), Labcorp); PubMed 16595074 (cited by Women's Health and Genetics/Laboratory Corporation of America, LabCorp).

NM_000169.3(GLA):c.1033_1034del (p.Ser345fs)

Genes: GLA (galactosidase alpha; minus strand), RPL36A-HNRNPH2 (RPL36A-HNRNPH2 readthrough; plus strand). Cytogenetic location: Xq22.1.
Variant type: Microsatellite.
Coding change: c.1033_1034del on transcript NM_000169.3 (MANE Select); coding-DNA positions 1033 to 1034, 2 bases deleted (TC; older notation c.1033_1034delTC).
Protein change: p.Ser345fs; shifts the reading frame from serine 345.
Molecular consequence: frameshift variant. On other transcripts: non-coding transcript variant (3), intron variant (2).
Genome position (GRCh38, 1-based): chrX:101,398,065-101,398,066, GA deleted on the plus strand (TC on the coding strand, the reverse complement: GLA is on the minus strand); deleting any 2 consecutive bases within chrX:101,398,065-101,398,071 gives the same sequence; the c. name uses the placement nearest the transcript's 3' end. VCF-style (leftmost placement, unchanged base first): chrX-101398064-TGA-T. GRCh37 (hg19) VCF-style: chrX-100653052-TGA-T.
Other names: c.1033_1034delTC (NM_000169.2); c.1028_1029CT[2], p.Ser345Argfs (NM_000169.2); c.1156_1157del, p.Ser386fs (NM_001406747.1); c.300+2608GA[2] (NM_001199973.2); c.177+6243GA[2] (NM_001199974.2); c.1033_1034del (NM_000169.2); short protein forms S345fs, S386fs.
Identifiers: ClinVar variation 92538 (VCV000092538.26), dbSNP rs398123198, ClinGen allele CA021333.